The following is an entry in ClinVar:

ClinVar aggregate classification (germline): Uncertain significance (1 of 4 stars; one submission).

Conditions:
CSNK2A1-related disorder. Also called: CSNK2A1- Related Disorders; CSNK2A1-related condition.

Submission:

PreventionGenetics, part of Exact Sciences
Classification: Uncertain significance for CSNK2A1-related condition. Last evaluated: 2023-03-03. Review status: criteria provided, single submitter. Criteria: ACMG Guidelines, 2015. Collection method: clinical testing. Allele origin: germline.
Comment: The CSNK2A1 c.941C>G variant is predicted to result in the amino acid substitution p.Thr314Ser. To our knowledge, this variant has not been reported in the literature or in a large population database, indicating this variant is rare. At this time, the clinical significance of this variant is uncertain due to the absence of conclusive functional and genetic evidence.

NM_177559.3(CSNK2A1):c.941C>G (p.Thr314Ser)

Gene: CSNK2A1 (casein kinase 2 alpha 1; minus strand). Cytogenetic location: 20p13.
Variant type: single nucleotide variant.
Coding change: c.941C>G on transcript NM_177559.3 (MANE Select); coding-DNA position 941, C replaced by G.
Protein change: p.Thr314Ser; replaces threonine 314 with serine.
Molecular consequence: missense variant.
Genome position (GRCh38, 1-based): chr20:487,459, G>C on the plus strand (C>G on the coding strand, the complement: CSNK2A1 is on the minus strand). VCF-style: chr20-487459-G-C. GRCh37 (hg19) VCF-style: chr20-468103-G-C.
Other names: c.941C>G, p.Thr314Ser (NM_001362770.2, NM_001362771.2, NM_001895.4); c.533C>G, p.Thr178Ser (NM_177560.3); short protein forms T178S, T314S.
Identifiers: ClinVar variation 2630140 (VCV002630140.1), dbSNP rs2514635644, ClinGen allele CA407924127.